The following is an entry in ClinVar:

ClinVar aggregate classification (germline): Uncertain significance (1 of 4 stars; one submission).

Allele frequency attached by ClinVar (database versions not stated): gnomAD 0.00001; gnomAD exomes 0.00001; ExAC 0.00002.
gnomAD v4.1: 9 of 1,614,064 alleles (0.00056%); highest among the groups gnomAD compares: Admixed American, 0.01%; no homozygotes.

Submission:

Labcorp Genetics (formerly Invitae), Labcorp
Classification: Uncertain significance. Last evaluated: 2022-05-04. Review status: criteria provided, single submitter. Criteria: Invitae Variant Classification Sherloc (09022015). Collection method: clinical testing. Allele origin: germline.
Comment: This sequence change replaces aspartic acid, which is acidic and polar, with glycine, which is neutral and non-polar, at codon 97 of the TBX19 protein (p.Asp97Gly). This variant is present in population databases (rs748529264, gnomAD 0.01%). This variant has not been reported in the literature in individuals affected with TBX19-related conditions. Algorithms developed to predict the effect of missense changes on protein structure and function are either unavailable or do not agree on the potential impact of this missense change (SIFT: "Tolerated"; PolyPhen-2: "Probably Damaging"; Align-GVGD: "Class C0"). In summary, the available evidence is currently insufficient to determine the role of this variant in disease. Therefore, it has been classified as a Variant of Uncertain Significance.

NM_005149.3(TBX19):c.290A>G (p.Asp97Gly)

Gene: TBX19 (T-box transcription factor 19; plus strand). Cytogenetic location: 1q24.2.
Variant type: single nucleotide variant.
Coding change: c.290A>G on transcript NM_005149.3 (MANE Select); coding-DNA position 290, A replaced by G.
Protein change: p.Asp97Gly; replaces aspartic acid 97 with glycine.
Molecular consequence: missense variant.
Genome position (GRCh38, 1-based): chr1:168,291,246, A>G. VCF-style: chr1-168291246-A-G. GRCh37 (hg19) VCF-style: chr1-168260484-A-G.
Other names: short protein forms D97G.
Identifiers: ClinVar variation 1968659 (VCV001968659.5), dbSNP rs748529264, ClinGen allele CA1230452.
Genomic context (GRCh38, chr1:168,291,246, plus strand): 5'-GTGTCACAGGGTTGGACCCCAATGCCATGTACTCCCTCCTGCTGGACTTTGTCCCTACGG[A>G]CAGTCACCGCTGGAAGTACGTCAACGGGGAATGGGTGCCCGCTGGCAAGCCAGAGGTCTC-3'
Protein context (NP_005140.1, residues 87-107): YSLLLDFVPT[Asp97Gly]SHRWKYVNGE